The following is an entry in ClinVar:

ClinVar aggregate classification (germline): Uncertain significance (1 of 4 stars; one submission).

gnomAD v4.1: 7 of 1,607,774 alleles (0.00044%); highest among the groups gnomAD compares: South Asian, 0.0066%; no homozygotes.

Submission:

Women's Health and Genetics/Laboratory Corporation of America, LabCorp
Classification: Uncertain significance. Last evaluated: 2025-12-18. Review status: criteria provided, single submitter. Criteria: LabCorp Variant Classification Summary - May 2015. Collection method: clinical testing. Allele origin: germline.
Comment: Variant summary: ERBB3 c.2618C>G (p.Thr873Ser) results in a conservative amino acid change in the encoded protein sequence. Algorithms developed to predict the effect of missense changes on protein structure and function are either unavailable or do not agree on the potential impact of this missense change. Consensus agreement among computation tools predict no significant impact on normal splicing. However, these predictions have yet to be confirmed by functional studies. The variant was absent in 251490 control chromosomes. The available data on variant occurrences in the general population are insufficient to allow any conclusion about variant significance. c.2618C>G has been observed in homozygous individual(s) affected with clinical features of Lethal congenital contracture syndrome 2 who also carried a second ERBB3 variant in cis (Le_2021, Laquerriere_2022). These report(s) do not provide unequivocal conclusions about association of the variant with Lethal congenital contracture syndrome 2. At least one publication reports experimental evidence evaluating an impact on protein function, however, does not allow convincing conclusions about the variant effect (Le_2021). The following publications have been ascertained in the context of this evaluation (PMID: 33497358, 33820833). No submitters have cited clinical-significance assessments for this variant to ClinVar. Based on the evidence outlined above, the variant was classified as uncertain significance.

Literature cited by the submitters: PubMed 33820833; PubMed 33497358.

NM_001982.4(ERBB3):c.2618C>G (p.Thr873Ser)

Gene: ERBB3 (erb-b2 receptor tyrosine kinase 3; plus strand). Cytogenetic location: 12q13.2.
Variant type: single nucleotide variant.
Coding change: c.2618C>G on transcript NM_001982.4 (MANE Select); coding-DNA position 2618, C replaced by G.
Protein change: p.Thr873Ser; replaces threonine 873 with serine.
Molecular consequence: missense variant.
Genome position (GRCh38, 1-based): chr12:56,098,501, C>G. VCF-style: chr12-56098501-C-G. GRCh37 (hg19) VCF-style: chr12-56492285-C-G.
Other names: short protein forms T873S.
Identifiers: ClinVar variation 4688230 (VCV004688230.1).